The following is an entry in ClinVar:

ClinVar aggregate classification (germline): Likely pathogenic. Review status: criteria provided, multiple submitters, no conflicts (2 of 4 stars). 2 submissions from 2 submitters: Likely pathogenic (2). Last evaluated 2024-06-24.

Conditions:
Proteinuria, low molecular weight, with hypercalciuria and nephrocalcinosis. Identifiers: Orphanet 1652, Orphanet 93622, MedGen C1839874, MONDO:0010644, OMIM 308990.
X-linked recessive nephrolithiasis with renal failure (XRN). Also called: UROLITHIASIS, X-LINKED RECESSIVE, TYPE 1; NEPHROLITHIASIS 1; NEPHROLITHIASIS, X-LINKED RECESSIVE, TYPE 1. Identifiers: Orphanet 1652, Orphanet 93622, MedGen C0403720, MONDO:0010687, OMIM 310468.
Dent disease type 1 (DENT1). Also called: NEPHROLITHIASIS 2; NEPHROLITHIASIS, HYPERCALCIURIC, X-LINKED. Identifiers: Orphanet 1652, Orphanet 93622, MedGen C1848336, MONDO:0010225, OMIM 300009.
Hypophosphatemic rickets, X-linked recessive (XLHRR). Identifiers: Orphanet 1652, Orphanet 93622, MedGen C1845168, MONDO:0010358, OMIM 300554.

Submissions (2):

Fulgent Genetics
Classification: Likely pathogenic for Dent disease type 1; Hypophosphatemic rickets, X-linked recessive; Proteinuria, low molecular weight, with hypercalciuria and nephrocalcinosis; X-linked recessive nephrolithiasis with renal failure. Last evaluated: 2024-06-24. Review status: criteria provided, single submitter. Criteria: ACMG Guidelines, 2015. Collection method: clinical testing. Allele origin: germline.

MVZ Medizinische Genetik Mainz
Classification: Likely pathogenic for Dent disease type 1. Last evaluated: 2024-03-12. Review status: criteria provided, single submitter. Criteria: UK Practice Guidelines For Variant Classification V4 01 2020. Collection method: clinical testing. Allele origin: germline. Inheritance: X-linked dominant inheritance. Observed: 1 variant allele.
Comment: ACMG Criteria: PVS1,PM2_SUP

NM_001127898.4(CLCN5):c.1633C>T (p.Gln545Ter)

Gene: CLCN5 (Cl-/H+ antiporter 5; plus strand). Cytogenetic location: Xp11.23.
Variant type: single nucleotide variant.
Coding change: c.1633C>T on transcript NM_001127898.4 (MANE Select); coding-DNA position 1633, C replaced by T.
Protein change: p.Gln545Ter; replaces glutamine 545 with a stop codon.
Molecular consequence: nonsense.
Genome position (GRCh38, 1-based): chrX:50,088,773, C>T. VCF-style: chrX-50088773-C-T. GRCh37 (hg19) VCF-style: chrX-49853430-C-T.
Other names: c.1423C>T, p.Gln475Ter (NM_000084.5); c.1633C>T, p.Gln545Ter (NM_001127899.4); c.1483C>T, p.Gln495Ter (NM_001282163.2); short protein forms Q475*, Q495*, Q545*.
Identifiers: ClinVar variation 3236753 (VCV003236753.2), dbSNP rs2519440480.